The following is an entry in ClinVar:

ClinVar aggregate classification (germline): Pathogenic/Likely pathogenic. Review status: criteria provided, multiple submitters, no conflicts (2 of 4 stars). 2 submissions from 2 submitters: Pathogenic (1); Likely pathogenic (1). Last evaluated 2024-04-20.

Conditions:
Hypopigmentation-punctate palmoplantar keratoderma syndrome. Also called: Cole disease; GUTTATE HYPOPIGMENTATION AND PUNCTATE PALMOPLANTAR KERATODERMA WITH OR WITHOUT ECTOPIC CALCIFICATION. Identifiers: Orphanet 324561, MedGen C3809781, MONDO:0014227, OMIM 615522.
Arterial calcification, generalized, of infancy, 1 (GACI1). Also called: Idiopathic Infantile Arterial Calcification. Identifiers: Orphanet 51608, MedGen C4551985, MONDO:0008817, OMIM 208000.
Hypophosphatemic rickets, autosomal recessive, 2 (ARHR2). Identifiers: Orphanet 289176, MedGen C2750078, MONDO:0013219, OMIM 613312.
Inherited obesity. Also called: Monogenic Obesity. Identifiers: Orphanet 77828, MedGen C4054476, MONDO:0019182, OMIM 601665.
Type 2 diabetes mellitus. Also called: Type II diabetes mellitus. Identifiers: MedGen C0011860, MeSH D003924, MONDO:0005148, OMIM 125853, HP:0005978.

Allele frequency attached by ClinVar (database versions not stated): TOPMed below 0.00001.

Submissions (2):

Fulgent Genetics
Classification: Likely pathogenic for Type 2 diabetes mellitus; Arterial calcification, generalized, of infancy, 1; Inherited obesity; Hypophosphatemic rickets, autosomal recessive, 2; Hypopigmentation-punctate palmoplantar keratoderma syndrome. Last evaluated: 2024-04-20. Review status: criteria provided, single submitter. Criteria: ACMG Guidelines, 2015. Collection method: clinical testing. Allele origin: germline.

Labcorp Genetics (formerly Invitae), Labcorp
Classification: Pathogenic. Last evaluated: 2022-11-03. Review status: criteria provided, single submitter. Criteria: Invitae Variant Classification Sherloc (09022015). Collection method: clinical testing. Allele origin: germline.
Comment: This sequence change creates a premature translational stop signal (p.Trp877*) in the ENPP1 gene. While this is not anticipated to result in nonsense mediated decay, it is expected to disrupt the last 49 amino acid(s) of the ENPP1 protein. This variant is not present in population databases (gnomAD no frequency). This variant has not been reported in the literature in individuals affected with ENPP1-related conditions. This variant disrupts a region of the ENPP1 protein in which other variant(s) (p.Lys905Alafs*16) have been determined to be pathogenic (PMID: 12881724; Invitae). This suggests that this is a clinically significant region of the protein, and that variants that disrupt it are likely to be disease-causing. For these reasons, this variant has been classified as Pathogenic.

Literature cited by the submitters: PubMed 12881724 (cited by Labcorp Genetics (formerly Invitae), Labcorp).

NM_006208.3(ENPP1):c.2631G>A (p.Trp877Ter)

Gene: ENPP1 (ectonucleotide pyrophosphatase/phosphodiesterase 1; plus strand). Cytogenetic location: 6q23.2.
Variant type: single nucleotide variant.
Coding change: c.2631G>A on transcript NM_006208.3 (MANE Select); coding-DNA position 2631, G replaced by A.
Protein change: p.Trp877Ter; replaces tryptophan 877 with a stop codon.
Molecular consequence: nonsense.
Genome position (GRCh38, 1-based): chr6:131,890,364, G>A. VCF-style: chr6-131890364-G-A. GRCh37 (hg19) VCF-style: chr6-132211504-G-A.
Other names: short protein forms W877*.
Identifiers: ClinVar variation 2991390 (VCV002991390.4), dbSNP rs1782451970, ClinGen allele CA365659984.